The following is an entry in ClinVar:

NM_004006.3(DMD):c.5235C>T (p.Arg1745=)

Gene: DMD (dystrophin; minus strand). Cytogenetic location: Xp21.1.
Variant type: single nucleotide variant.
Coding change: c.5235C>T on transcript NM_004006.3 (MANE Select); coding-DNA position 5235, C replaced by T.
Protein change: p.Arg1745=; no amino-acid change (arginine 1745 retained).
Molecular consequence: synonymous variant.
Genome position (GRCh38, 1-based): chrX:32,362,878, G>A on the plus strand (C>T on the coding strand, the complement: DMD is on the minus strand). VCF-style: chrX-32362878-G-A. GRCh37 (hg19) VCF-style: chrX-32380995-G-A.
Other names: c.5211C>T, p.Arg1737= (NM_000109.4); c.5223C>T, p.Arg1741= (NM_004009.3); c.4866C>T, p.Arg1622= (NM_004010.3); c.1212C>T, p.Arg404= (NM_004011.4); c.1203C>T, p.Arg401= (NM_004012.4).
Identifiers: ClinVar variation 1646127 (VCV001646127.12), dbSNP rs766312119, ClinGen allele CA10378739.

ClinVar aggregate classification (germline): Benign/Likely benign. Review status: criteria provided, multiple submitters, no conflicts (2 of 4 stars). 3 submissions from 3 submitters: Benign (1); Likely benign (1). 1 of the submissions does not count toward it. Last evaluated 2025-01-30.

Conditions:
Cardiovascular phenotype. Identifiers: MedGen CN230736.
Duchenne muscular dystrophy (DMD). Also called: Duchenne Muscular Dystrophy (DMD); MUSCULAR DYSTROPHY, PSEUDOHYPERTROPHIC PROGRESSIVE, DUCHENNE TYPE. Identifiers: Orphanet 98896, MedGen C0013264, MONDO:0010679, OMIM 310200.
DMD-related disorder. Also called: DMD-related condition.

Allele frequency attached by ClinVar (database versions not stated): gnomAD exomes 0.00002; TOPMed 0.00002; ExAC 0.00002.
gnomAD v4.1: 21 of 1,210,848 alleles (0.0017%); highest among the groups gnomAD compares: Middle Eastern, 0.023%; no homozygotes.

Submissions (3):

Labcorp Genetics (formerly Invitae), Labcorp
Classification: Benign for Duchenne muscular dystrophy. Last evaluated: 2025-01-30. Review status: criteria provided, single submitter. Criteria: Invitae Variant Classification Sherloc (09022015). Collection method: clinical testing. Allele origin: germline.

Ambry Genetics
Classification: Likely benign for Cardiovascular phenotype. Last evaluated: 2020-03-30. Review status: criteria provided, single submitter. Criteria: Ambry Variant Classification Scheme 2023. Collection method: clinical testing. Allele origin: germline.

PreventionGenetics, part of Exact Sciences
Classification: Likely benign for DMD-related condition. Last evaluated: 2019-05-02. Review status: no assertion criteria provided. Collection method: clinical testing. Allele origin: germline. Not counted in ClinVar's aggregate classification.
Comment: This variant is classified as likely benign based on ACMG/AMP sequence variant interpretation guidelines (Richards et al. 2015 PMID: 25741868, with internal and published modifications).